The following is an entry in ClinVar:

ClinVar aggregate classification (germline): Pathogenic (1 of 4 stars; one submission).

Allele frequency attached by ClinVar (database versions not stated): gnomAD exomes below 0.00001; TOPMed below 0.00001.
gnomAD v4.1: 6 of 1,614,204 alleles (0.00037%); highest among the groups gnomAD compares: Non-Finnish European, 0.00051%; no homozygotes.

Submission:

Labcorp Genetics (formerly Invitae), Labcorp
Classification: Pathogenic. Last evaluated: 2025-09-02. Review status: criteria provided, single submitter. Criteria: Invitae Variant Classification Sherloc (09022015). Collection method: clinical testing. Allele origin: germline.
Comment: This sequence change replaces methionine, which is neutral and non-polar, with threonine, which is neutral and polar, at codon 99 of the MUT protein (p.Met99Thr). This variant is not present in population databases (gnomAD no frequency). This missense change has been observed in individual(s) with clinical features of MUT-related conditions (PMID: 37603033; internal data). In at least one individual the data is consistent with being in trans (on the opposite chromosome) from a pathogenic variant. ClinVar contains an entry for this variant (Variation ID: 934764). Invitae Evidence Modeling of protein sequence and biophysical properties (such as structural, functional, and spatial information, amino acid conservation, physicochemical variation, residue mobility, and thermodynamic stability) indicates that this missense variant is expected to disrupt MUT protein function with a positive predictive value of 95%. This variant disrupts the p.Met99 amino acid residue in MUT. Other variant(s) that disrupt this residue have been observed in individuals with MUT-related conditions (PMID: 34668645), which suggests that this may be a clinically significant amino acid residue. For these reasons, this variant has been classified as Pathogenic.

Literature cited by the submitters: PubMed 37603033; PubMed 34668645.

NM_000255.4(MMUT):c.296T>C (p.Met99Thr)

Gene: MMUT (methylmalonyl-CoA mutase; minus strand). Cytogenetic location: 6p12.3.
Variant type: single nucleotide variant.
Coding change: c.296T>C on transcript NM_000255.4 (MANE Select); coding-DNA position 296, T replaced by C.
Protein change: p.Met99Thr; replaces methionine 99 with threonine.
Molecular consequence: missense variant.
Genome position (GRCh38, 1-based): chr6:49,459,171, A>G on the plus strand (T>C on the coding strand, the complement: MMUT is on the minus strand). VCF-style: chr6-49459171-A-G. GRCh37 (hg19) VCF-style: chr6-49426884-A-G.
Other names: short protein forms M99T.
Identifiers: ClinVar variation 934764 (VCV000934764.6), dbSNP rs1767770379, ClinGen allele CA364405059.